The following is an entry in ClinVar:

ClinVar aggregate classification (germline): not provided (0 of 4 stars; one submission).

Submission:

Human Evolutionary Genetics, Institut Pasteur
No classification provided. Review status: no classification provided. Collection method: not provided. Allele origin: germline.
ClinVar note: Converted during submission from untested to not provided.

NM_134444.5(NLRP4):c.446_447insA (p.Thr150fs)

Gene: NLRP4 (NLR family pyrin domain containing 4; plus strand). Cytogenetic location: 19q13.43.
Variant type: Insertion.
Coding change: c.446_447insA on transcript NM_134444.5 (MANE Select); coding-DNA positions 446 to 447, A inserted.
Protein change: p.Thr150fs; shifts the reading frame from threonine 150.
Molecular consequence: frameshift variant.
Genome position: GRCh38 VCF-style: chr19-55857839-G-GA. GRCh37 (hg19) VCF-style: chr19-56369205-G-GA.
Other names: short protein forms T150fs.
Identifiers: ClinVar variation 103226 (VCV000103226.2), dbSNP rs199475745, ClinGen allele CA230282.